The following is an entry in ClinVar:

ClinVar aggregate classification (germline): Likely benign (0 of 4 stars; one submission).

Conditions:
CELSR1-related disorder. Also called: CELSR1-related condition.

Allele frequency attached by ClinVar (database versions not stated): gnomAD exomes below 0.00001; TOPMed below 0.00001; gnomAD 0.00001; ExAC 0.00004.
gnomAD v4.1: 8 of 1,613,982 alleles (0.0005%); highest among the groups gnomAD compares: Admixed American, 0.0033%; no homozygotes.

Submission:

PreventionGenetics, part of Exact Sciences
Classification: Likely benign for CELSR1-related condition. Last evaluated: 2019-07-10. Review status: no assertion criteria provided. Collection method: clinical testing. Allele origin: germline.
Comment: This variant is classified as likely benign based on ACMG/AMP sequence variant interpretation guidelines (Richards et al. 2015 PMID: 25741868, with internal and published modifications).

NM_001378328.1(CELSR1):c.4851C>T (p.Phe1617=)

Gene: CELSR1 (cadherin EGF LAG seven-pass G-type receptor 1; minus strand). Cytogenetic location: 22q13.31.
Variant type: single nucleotide variant.
Coding change: c.4851C>T on transcript NM_001378328.1 (MANE Select); coding-DNA position 4851, C replaced by T.
Protein change: p.Phe1617=; no amino-acid change (phenylalanine 1617 retained).
Molecular consequence: synonymous variant.
Genome position (GRCh38, 1-based): chr22:46,410,480, G>A on the plus strand (C>T on the coding strand, the complement: CELSR1 is on the minus strand). VCF-style: chr22-46410480-G-A. GRCh37 (hg19) VCF-style: chr22-46806377-G-A.
Other names: c.4851C>T, p.Phe1617= (NM_014246.4).
Identifiers: ClinVar variation 3050383 (VCV003050383.2), dbSNP rs770946159, ClinGen allele CA10294490.